The following is an entry in ClinVar:

ClinVar aggregate classification (germline): Conflicting classifications of pathogenicity. Review status: criteria provided, conflicting classifications (1 of 4 stars). 2 submissions from 2 submitters: Uncertain significance (1); Likely benign (1). Last evaluated 2025-09-26.

Allele frequency attached by ClinVar (database versions not stated): gnomAD exomes 0.00001; ExAC 0.00003.

Submissions (2):

Ambry Genetics
Classification: Uncertain significance. Last evaluated: 2025-09-26. Review status: criteria provided, single submitter. Criteria: Ambry Variant Classification Scheme 2023. Collection method: clinical testing. Allele origin: germline.

CeGaT Center for Human Genetics Tuebingen
Classification: Likely benign. Last evaluated: 2025-09-01. Review status: criteria provided, single submitter. Criteria: CeGaT Center For Human Genetics Tuebingen Variant Classification Criteria Version 2. Collection method: clinical testing. Allele origin: germline. Affected: yes. Observed: 1 variant allele.
Comment: TMPRSS15: BP4

NM_002772.3(TMPRSS15):c.1313G>A (p.Ser438Asn)

Gene: TMPRSS15 (transmembrane serine protease 15; minus strand). Cytogenetic location: 21q21.1.
Variant type: single nucleotide variant.
Coding change: c.1313G>A on transcript NM_002772.3 (MANE Select); coding-DNA position 1313, G replaced by A.
Protein change: p.Ser438Asn; replaces serine 438 with asparagine.
Molecular consequence: missense variant.
Genome position (GRCh38, 1-based): chr21:18,343,621, C>T on the plus strand (G>A on the coding strand, the complement: TMPRSS15 is on the minus strand). VCF-style: chr21-18343621-C-T. GRCh37 (hg19) VCF-style: chr21-19715938-C-T.
Other names: short protein forms S438N.
Identifiers: ClinVar variation 2208027 (VCV002208027.9), dbSNP rs762171433, ClinGen allele CA9984467.